The following is an entry in ClinVar:

ClinVar aggregate classification (germline): Uncertain significance. Review status: criteria provided, multiple submitters, no conflicts (2 of 4 stars). 2 submissions from 2 submitters: Uncertain significance (2). Last evaluated 2026-01-12.

Allele frequency attached by ClinVar (database versions not stated): ExAC 0.00005; gnomAD 0.00005; TOPMed 0.00005.
gnomAD v4.1: 93 of 1,614,016 alleles (0.0058%); highest among the groups gnomAD compares: Admixed American, 0.018%; no homozygotes.

Submissions (2):

Labcorp Genetics (formerly Invitae), Labcorp
Classification: Uncertain significance. Last evaluated: 2026-01-12. Review status: criteria provided, single submitter. Criteria: Invitae Variant Classification Sherloc (09022015). Collection method: clinical testing. Allele origin: germline.
Comment: This sequence change replaces threonine, which is neutral and polar, with methionine, which is neutral and non-polar, at codon 81 of the IL18BP protein (p.Thr81Met). This variant is present in population databases (rs770102511, gnomAD 0.03%). This variant has not been reported in the literature in individuals affected with IL18BP-related conditions. ClinVar contains an entry for this variant (Variation ID: 2072603). An algorithm developed to predict the effect of missense changes on protein structure and function outputs the following: PolyPhen-2: "Benign". The methionine amino acid residue is found in multiple mammalian species, which suggests that this missense change does not adversely affect protein function. In summary, the available evidence is currently insufficient to determine the role of this variant in disease. Therefore, it has been classified as a Variant of Uncertain Significance.

Ambry Genetics
Classification: Uncertain significance. Last evaluated: 2024-03-25. Review status: criteria provided, single submitter. Criteria: Ambry Variant Classification Scheme 2023. Collection method: clinical testing. Allele origin: germline.

NM_001039660.2(IL18BP):c.242C>T (p.Thr81Met)

Gene: IL18BP (interleukin 18 binding protein; plus strand). Cytogenetic location: 11q13.4.
Variant type: single nucleotide variant.
Coding change: c.242C>T on transcript NM_001039660.2 (MANE Select); coding-DNA position 242, C replaced by T.
Protein change: p.Thr81Met; replaces threonine 81 with methionine.
Molecular consequence: missense variant. On other transcripts: intron variant (1).
Genome position (GRCh38, 1-based): chr11:72,001,207, C>T. VCF-style: chr11-72001207-C-T. GRCh37 (hg19) VCF-style: chr11-71712253-C-T.
Other names: c.242C>T, p.Thr81Met (NM_001039659.2, NM_001145057.1, NM_005699.3 and 2 more transcripts); c.236-577C>T (NM_001145055.1); short protein forms T81M.
Identifiers: ClinVar variation 2072603 (VCV002072603.5), dbSNP rs770102511, ClinGen allele CA6166167.
Genomic context (GRCh38, chr11:72,001,207, plus strand): 5'-GGGTAGGGGAAGGGCCTGCTCTTCTGAAGAGCTAACTGCTGCCTGTGTCCCTAGATGGAA[C>T]GCTGAGCTTATCCTGTGTGGCCTGCAGCCGCTTCCCCAACTTCAGCATCCTCTACTGGCT-3'
Protein context (NP_001034749.1, residues 71-91): WPEVEVPLNG[Thr81Met]LSLSCVACSR